The following is an entry in ClinVar:

ClinVar aggregate classification (germline): Pathogenic (0 of 4 stars; one submission).

Conditions:
Familial juvenile hyperuricemic nephropathy type 1 (ADTKD1). Also called: Autosomal Dominant Tubulointerstitial Kidney Disease – UMOD; UMOD-Associated Kidney Disease; Uromodulin-associated kidney disease; Glomerulocystic kidney disease with hyperuricemia and isosthenuria; Medullary cystic kidney disease 2. Identifiers: Orphanet 209886, Orphanet 34149, Orphanet 88950, MedGen C4551496, MONDO:0008073, OMIM 162000.

Submission:

Institute Of Nephrology, Zhong Da Hospital, Southeast University School Of Medicine
Classification: Pathogenic for Familial juvenile hyperuricemic nephropathy type 1. Last evaluated: 2023-04-10. Review status: no assertion criteria provided. Collection method: provider interpretation. Allele origin: inherited. Inheritance: Autosomal dominant inheritance. Affected: yes. Observed: 4 variant alleles, 4 heterozygotes. Clinical features observed: Renal insufficiency (HP:0000083), Decreased glomerular filtration rate (HP:0012213), Hyperuricemia (HP:0002149).
Comment: Patients of the family manifests as the clinical characteristics of autosomal dominant tubulointerstitial kidney disease(ADTKD). UMOD is the pathogenic gene of ADTKD, so we considered that the new variant pathogenic to this family.

NM_003361.4(UMOD):c.106C>T (p.His36Tyr)

Gene: UMOD (uromodulin; minus strand). Cytogenetic location: 16p12.3.
Variant type: single nucleotide variant.
Coding change: c.106C>T on transcript NM_003361.4 (MANE Select); coding-DNA position 106, C replaced by T.
Protein change: p.His36Tyr; replaces histidine 36 with tyrosine.
Molecular consequence: missense variant. On other transcripts: non-coding transcript variant (1).
Genome position (GRCh38, 1-based): chr16:20,349,195, G>A on the plus strand (C>T on the coding strand, the complement: UMOD is on the minus strand). VCF-style: chr16-20349195-G-A. GRCh37 (hg19) VCF-style: chr16-20360517-G-A.
Other names: c.106C>T, p.His36Tyr (NM_001008389.3, NM_001378232.1, NM_001378233.1 and 3 more transcripts); c.205C>T, p.His69Tyr (NM_001278614.2); short protein forms H36Y, H69Y.
Identifiers: ClinVar variation 2499670 (VCV002499670.2), dbSNP rs2507391567, ClinGen allele CA394965703.